The following is an entry in ClinVar:

NM_031844.3(HNRNPU):c.743_749del (p.Arg248fs)

Gene: HNRNPU (heterogeneous nuclear ribonucleoprotein U; minus strand). Cytogenetic location: 1q44.
Variant type: Deletion.
Coding change: c.743_749del on transcript NM_031844.3 (MANE Select); coding-DNA positions 743 to 749, 7 bases deleted (GACCACG; older notation c.743_749delGACCACG).
Protein change: p.Arg248fs; shifts the reading frame from arginine 248.
Molecular consequence: frameshift variant.
Genome position (GRCh38, 1-based): chr1:244,862,673-244,862,679, CGTGGTC deleted on the plus strand (GACCACG on the coding strand, the reverse complement: HNRNPU is on the minus strand). VCF-style (leftmost placement, unchanged base first): chr1-244862672-TCGTGGTC-T. GRCh37 (hg19) VCF-style: chr1-245025974-TCGTGGTC-T.
Other names: c.686_692del, p.Arg229fs (NM_004501.3); short protein forms R248fs, R229fs.
Identifiers: ClinVar variation 452072 (VCV000452072.2), dbSNP rs1553283444, ClinGen allele CA658657005.

ClinVar aggregate classification (germline): Pathogenic (1 of 4 stars; one submission).

Submission:

GeneDx
Classification: Pathogenic. Last evaluated: 2017-09-22. Review status: criteria provided, single submitter. Criteria: GeneDx Variant Classification (06012015). Collection method: clinical testing. Allele origin: germline. Affected: yes.
Comment: The c.743_749delGACCACG variant in the HNRNPU gene has not been reported previously as a pathogenic variant nor as a benign variant, to our knowledge. The c.743_749delGACCACG variant causes a frameshift starting with codon Arginine 248, changes this amino acid to a Lysine residue, and creates a premature Stop codon at position 89 of the new reading frame, denoted p.Arg248LysfsX89. This variant is predicted to cause loss of normal protein function either through protein truncation or nonsense-mediated mRNA decay. The c.743_749delGACCACG variant is not observed in large population cohorts (Lek et al., 2016). We interpret c.743_749delGACCACG as a pathogenic variant, consistent with the autism spectrum disorder, intellectual disability, and seizures reported in this individual.